The following is an entry in ClinVar:

NM_020549.5(CHAT):c.967C>T (p.Arg323Cys)

Gene: CHAT (choline O-acetyltransferase; plus strand). Cytogenetic location: 10q11.23.
Variant type: single nucleotide variant.
Coding change: c.967C>T on transcript NM_020549.5 (MANE Select); coding-DNA position 967, C replaced by T.
Protein change: p.Arg323Cys; replaces arginine 323 with cysteine.
Molecular consequence: missense variant.
Genome position (GRCh38, 1-based): chr10:49,627,641, C>T. VCF-style: chr10-49627641-C-T. GRCh37 (hg19) VCF-style: chr10-50835687-C-T.
Other names: c.613C>T, p.Arg205Cys (NM_001142929.2, NM_001142934.2, NM_020984.4 and 2 more transcripts); c.721C>T, p.Arg241Cys (NM_001142933.2); short protein forms R205C, R241C, R323C.
Identifiers: ClinVar variation 950395 (VCV000950395.5), dbSNP rs771938918, ClinGen allele CA5497321.
Genomic context (GRCh38, chr10:49,627,641, plus strand): 5'-GACATGTTTGACCTGTTTACCCCACAGTTCTTTGTCTTGGATGTTGTCATTAATTTCCGC[C>T]GTCTCAGTGAGGGGGATCTGTTCACTCAGTTGAGAAAGATAGTCAAAATGGCTTCCAACG-3'
Protein context (NP_065574.4, residues 313-333): FVLDVVINFR[Arg323Cys]LSEGDLFTQL

ClinVar aggregate classification (germline): Uncertain significance (1 of 4 stars; one submission).

Conditions:
Familial infantile myasthenia (CMS6). Also called: MYASTHENIC SYNDROME, PRESYNAPTIC, CONGENITAL, ASSOCIATED WITH EPISODIC APNEA; MYASTHENIC SYNDROME, CONGENITAL, 6, PRESYNAPTIC; Congenital myasthenic syndrome type 6. Identifiers: Orphanet 590, MedGen C0393929, MONDO:0009689, OMIM 254210.

Allele frequency attached by ClinVar (database versions not stated): gnomAD exomes below 0.00001; ExAC 0.00001; TOPMed 0.00003.
gnomAD v4.1: 12 of 1,614,014 alleles (0.00074%); highest among the groups gnomAD compares: Middle Eastern, 0.016%; no homozygotes.

Submission:

Labcorp Genetics (formerly Invitae), Labcorp
Classification: Uncertain significance for Familial infantile myasthenia. Last evaluated: 2022-08-22. Review status: criteria provided, single submitter. Criteria: Invitae Variant Classification Sherloc (09022015). Collection method: clinical testing. Allele origin: germline.
Comment: This sequence change replaces arginine, which is basic and polar, with cysteine, which is neutral and slightly polar, at codon 323 of the CHAT protein (p.Arg323Cys). This variant is present in population databases (rs771938918, gnomAD 0.003%). This variant has not been reported in the literature in individuals affected with CHAT-related conditions. ClinVar contains an entry for this variant (Variation ID: 950395). Advanced modeling of protein sequence and biophysical properties (such as structural, functional, and spatial information, amino acid conservation, physicochemical variation, residue mobility, and thermodynamic stability) performed at Invitae indicates that this missense variant is not expected to disrupt CHAT protein function. In summary, the available evidence is currently insufficient to determine the role of this variant in disease. Therefore, it has been classified as a Variant of Uncertain Significance.